The following is an entry in ClinVar:

NM_001754.5(RUNX1):c.59-48942A>G

Gene: RUNX1 (RUNX family transcription factor 1; minus strand). Cytogenetic location: 21q22.12.
Variant type: single nucleotide variant.
Coding change: c.59-48942A>G on transcript NM_001754.5 (MANE Select); 48942 bases into the intron before coding-DNA position 59, A replaced by G.
Molecular consequence: intron variant.
Genome position (GRCh38, 1-based): chr21:34,941,905, T>C on the plus strand (A>G on the coding strand, the complement: RUNX1 is on the minus strand). VCF-style: chr21-34941905-T-C. GRCh37 (hg19) VCF-style: chr21-36314202-T-C.
Identifiers: ClinVar variation 2021813 (VCV002021813.5), dbSNP rs2058529994, ClinGen allele CA2387321999.

ClinVar aggregate classification (germline): Uncertain significance. Review status: reviewed by expert panel (3 of 4 stars). 2 submissions from 2 submitters: Uncertain significance (1). 1 of the submissions does not count toward it. Last evaluated 2024-09-16.

Conditions:
Hereditary thrombocytopenia and hematological cancer predisposition syndrome associated with RUNX1. Also called: Familial Platelet Disorder with Propensity to Acute Myelogenous Leukemia; Familial thrombocytopenia with propensity to acute myelogenous leukemia; PLATELET DISORDER, ASPIRIN-LIKE; RUNX1 Familial Platelet Disorder with Associated Myeloid Malignancies. Identifiers: Orphanet 71290, MedGen C1832388, MeSH C563324, MONDO:0100083, OMIM 601399.
Hereditary thrombocytopenia and hematologic cancer predisposition syndrome. Identifiers: Orphanet 71290, MedGen CN281654, MONDO:0011071.

Allele frequency attached by ClinVar (database versions not stated): TOPMed below 0.00001.

Submissions (2):

ClinGen Myeloid Malignancy Variant Curation Expert Panel
Classification: Uncertain significance for Hereditary thrombocytopenia and hematologic cancer predisposition syndrome. Last evaluated: 2024-09-16. Review status: reviewed by expert panel. Criteria: ClinGen MyeloMalig ACMG Specifications v2. Collection method: curation. Allele origin: germline. Inheritance: Autosomal dominant inheritance.
Comment: NM_001754.5(RUNX1):c.59-48942A>G is an intronic variant which has a SpliceAI score ≥ 0.38 (Donor Gain: 0.42; Acceptor Gain: 0.29) (PP3). This variant is completely absent from all population databases with at least 20x coverage for RUNX1 (PM2_Supporting). In summary, the clinical significance of this variant is uncertain. ACMG/AMP criteria applied, as specified by the Myeloid Malignancy Variant Curation Expert Panel for RUNX1: PM2_Supporting, PP3.

Labcorp Genetics (formerly Invitae), Labcorp
Classification: Uncertain significance for Hereditary thrombocytopenia and hematological cancer predisposition syndrome associated with RUNX1. Last evaluated: 2024-02-23. Review status: criteria provided, single submitter. Criteria: Invitae Variant Classification Sherloc (09022015). Collection method: clinical testing. Allele origin: germline. Not counted in ClinVar's aggregate classification.
Comment: This sequence change falls in intron 2 of the RUNX1 gene. It does not directly change the encoded amino acid sequence of the RUNX1 protein. RNA analysis indicates that this variant induces altered splicing and may result in an absent or disrupted protein product. This variant is not present in population databases (gnomAD no frequency). This variant has not been reported in the literature in individuals affected with RUNX1-related conditions. ClinVar contains an entry for this variant (Variation ID: 2021813). Studies have shown that this variant results in activation of a cryptic splice stie and introduces a premature termination codon (Invitae). The resulting mRNA is expected to undergo nonsense-mediated decay. In summary, the available evidence is currently insufficient to determine the role of this variant in disease. Therefore, it has been classified as a Variant of Uncertain Significance.